The following is an entry in ClinVar:

NM_002775.5(HTRA1):c.12G>T (p.Pro4=)

Gene: HTRA1 (HtrA serine peptidase 1; plus strand). Cytogenetic location: 10q26.13.
Variant type: single nucleotide variant.
Coding change: c.12G>T on transcript NM_002775.5 (MANE Select); coding-DNA position 12, G replaced by T.
Protein change: p.Pro4=; no amino-acid change (proline 4 retained).
Molecular consequence: synonymous variant.
Genome position (GRCh38, 1-based): chr10:122,461,664, G>T. VCF-style: chr10-122461664-G-T. GRCh37 (hg19) VCF-style: chr10-124221180-G-T.
Other names: p.Pro4=.
Identifiers: ClinVar variation 877206 (VCV000877206.47), dbSNP rs761008513, ClinGen allele CA5725782.

ClinVar aggregate classification (germline): Conflicting classifications of pathogenicity. Review status: criteria provided, conflicting classifications (1 of 4 stars). 6 submissions from 6 submitters: Uncertain significance (1); Likely benign (5). Last evaluated 2025-11-10.

Conditions:
Macular degeneration. Also called: Degenerative disorder of macula. Identifiers: MedGen C0024437, MONDO:0003004, HP:0000608.

Allele frequency attached by ClinVar (database versions not stated): ExAC 0.00012; gnomAD exomes 0.00013 and 0.00024; gnomAD 0.00021; TOPMed 0.00023.
gnomAD v4.1: 310 of 1,312,120 alleles (0.024%); highest among the groups gnomAD compares: Middle Eastern, 0.03%; 1 homozygote.

Submissions (6):

Labcorp Genetics (formerly Invitae), Labcorp
Classification: Likely benign. Last evaluated: 2025-11-10. Review status: criteria provided, single submitter. Criteria: Invitae Variant Classification Sherloc (09022015). Collection method: clinical testing. Allele origin: germline.

Women's Health and Genetics/Laboratory Corporation of America, LabCorp
Classification: Likely benign. Last evaluated: 2025-01-06. Review status: criteria provided, single submitter. Criteria: LabCorp Variant Classification Summary - May 2015. Collection method: clinical testing. Allele origin: germline.

Blueprint Genetics
Classification: Likely benign. Last evaluated: 2024-11-27. Review status: criteria provided, single submitter. Criteria: ACMG Guidelines, 2015. Collection method: clinical testing. Allele origin: germline.

Mayo Clinic Laboratories, Mayo Clinic
Classification: Likely benign. Last evaluated: 2024-10-25. Review status: criteria provided, single submitter. Criteria: ACMG Guidelines, 2015. Collection method: clinical testing. Allele origin: germline. Observed: 1 variant allele.
Comment: BP4, BP7

CeGaT Center for Human Genetics Tuebingen
Classification: Likely benign. Last evaluated: 2021-12-01. Review status: criteria provided, single submitter. Criteria: CeGaT Center For Human Genetics Tuebingen Variant Classification Criteria Version 2. Collection method: clinical testing. Allele origin: germline. Affected: yes. Observed: 1 variant allele.

Illumina Laboratory Services, Illumina
Classification: Uncertain significance for Macular degeneration. Last evaluated: 2018-01-13. Review status: criteria provided, single submitter. Criteria: ICSL Variant Classification Criteria 13 December 2019. Collection method: clinical testing. Allele origin: germline.